The following is an entry in ClinVar:

NM_205768.3(ZBTB18):c.70A>T (p.Ser24Cys)

Gene: ZBTB18 (zinc finger and BTB domain containing 18; plus strand). Cytogenetic location: 1q44.
Variant type: single nucleotide variant.
Coding change: c.70A>T on transcript NM_205768.3 (MANE Select); coding-DNA position 70, A replaced by T.
Protein change: p.Ser24Cys; replaces serine 24 with cysteine.
Molecular consequence: missense variant.
Genome position (GRCh38, 1-based): chr1:244,053,844, A>T. VCF-style: chr1-244053844-A-T. GRCh37 (hg19) VCF-style: chr1-244217146-A-T.
Other names: c.43A>T, p.Ser15Cys (NM_001278196.2, NM_006352.5); c.70A>T, p.Ser24Cys (NM_001421566.1); short protein forms S15C, S24C.
Identifiers: ClinVar variation 4976016 (VCV004976016.1).

ClinVar aggregate classification (germline): Uncertain significance (1 of 4 stars; one submission).

Submission:

GeneDx
Classification: Uncertain significance. Last evaluated: 2026-02-02. Review status: criteria provided, single submitter. Criteria: GeneDx Variant Classification Process June 2021. Collection method: clinical testing. Allele origin: germline.
Comment: Not observed at significant frequency in large population cohorts (gnomAD); In silico analysis supports that this missense variant has a deleterious effect on protein structure/function; Has not been previously published as pathogenic or benign to our knowledge